The following continues an entry in ClinVar:

NM_007294.4(BRCA1):c.5429T>C (p.Val1810Ala)

Gene: BRCA1. ClinVar aggregate classification (germline): Conflicting classifications of pathogenicity. Uncertain significance (7); Likely benign (2).

Submissions 7 to 12 of 12:

Women's Health and Genetics/Laboratory Corporation of America, LabCorp
Classification: Uncertain significance. Last evaluated: 2022-05-09. Review status: criteria provided, single submitter. Criteria: LabCorp Variant Classification Summary - May 2015. Collection method: clinical testing. Allele origin: germline.
Comment: Variant summary: BRCA1 c.5429T>C (p.Val1810Ala) results in a non-conservative amino acid change located in the BRCT domain of the encoded protein sequence. Four of five in-silico tools predict a damaging effect of the variant on protein function. The variant allele was found at a frequency of 4e-06 in 251496 control chromosomes. The available data on variant occurrences in the general population are insufficient to allow any conclusion about variant significance. To our knowledge, no occurrence of c.5429T>C in individuals affected with Hereditary Breast And Ovarian Cancer Syndrome has been reported. At least one functional study reports experimental evidence evaluating an impact on protein function and showed no damaging effect of this variant on homology directed repair (HDR) activity (e.g. Findlay_2018). HDR assays qualify as a recognized gold standard on the basis of updated guidance provided by the ClinGen Sequence Variant Interpretation (SVI) working group. Six clinical diagnostic laboratories have submitted clinical-significance assessments for this variant to ClinVar after 2014 without evidence for independent evaluation. All laboratories classified the variant as uncertain significance. Based on the evidence outlined above, the variant was classified as VUS - possibly benign.

Ambry Genetics
Classification: Likely benign for Hereditary cancer-predisposing syndrome. Last evaluated: 2021-08-23. Review status: criteria provided, single submitter. Criteria: Ambry Variant Classification Scheme 2023. Collection method: clinical testing. Allele origin: germline.

Quest Diagnostics Nichols Institute San Juan Capistrano
Classification: Uncertain significance. Last evaluated: 2017-10-25. Review status: criteria provided, single submitter. Criteria: Quest Diagnostics criteria. Collection method: clinical testing. Allele origin: germline.

Counsyl
Classification: Uncertain significance for Breast-ovarian cancer, familial, susceptibility to, 1. Last evaluated: 2018-01-10. Review status: no assertion criteria provided. Collection method: clinical testing. Allele origin: unknown. Not counted in ClinVar's aggregate classification.

Brotman Baty Institute, University of Washington
No classification provided (evidence only). Condition: Breast-ovarian cancer, familial 1. Review status: no classification provided. Collection method: in vitro. Allele origin: not applicable. Functional consequence: functionally_normal. Not counted in ClinVar's aggregate classification.
ClinVar note: "not provided" was previously submitted as the classification for the variant. However, the classification appeared to be based only on an observation of functional data so it was converted to no classification on 2025-07-30.

Department of Pathology and Laboratory Medicine, Sinai Health System
Classification: Uncertain significance for Malignant tumor of breast. Review status: no assertion criteria provided. Collection method: clinical testing. Allele origin: unknown. Affected: yes. Study: The Canadian Open Genetics Repository (COGR). Not counted in ClinVar's aggregate classification.
Comment: The BRCA1 p.Val1810Ala variant was not identified in the literature, nor was it identified in the dbSNP, NHLBI Exome Sequencing Project (Exome Variant Server), Exome Aggregation Consortium (ExAC), HGMD, LOVD, COSMIC, GeneInsight COGR, or BIC. The p.Val1810Ala variant was identified in Clinvitae database (uncertain significance), the ClinVar database (classified as a uncertain significance by Ambry Genetics), and UMD (1X as a 3-unclassified variant). The p.Val1810 residue is conserved across mammals and other organisms, and four out of five computational analyses (SIFT, AlignGVGD, BLOSUM, MutationTaster) suggest that the Ala variant may impact the protein. However, this information is not predictive enough to assume pathogenicity. The variant occurs outside of the splicing consensus sequence and in silico or computational prediction software programs (SpliceSiteFinder, MaxEntScan, NNSPLICE, GeneSplicer, HumanSpliceFinder) do not predict a difference in splicing. In summary, based on the above information, the clinical significance of this variant cannot be determined with certainty at this time. This variant is classified as a variant of unknown significance.

Literature cited by the submitters: PubMed 30209399 (cited by 5 submitters); PubMed 31853058 (cited by Color Diagnostics, LLC DBA Color Health); PubMed 39142283 (cited by Lupski Lab, Baylor-Hopkins CMG, Baylor College of Medicine); PubMed 34793697 (cited by Lupski Lab, Baylor-Hopkins CMG, Baylor College of Medicine); DOI 10.1101/2024.04.11.24305690 (cited by Lupski Lab, Baylor-Hopkins CMG, Baylor College of Medicine).